The following is an entry in ClinVar:

ClinVar aggregate classification (germline): Uncertain significance (1 of 4 stars; one submission).

Submission:

GeneDx
Classification: Uncertain significance. Last evaluated: 2026-03-05. Review status: criteria provided, single submitter. Criteria: GeneDx Variant Classification Process June 2021. Collection method: clinical testing. Allele origin: germline.
Comment: Not observed at significant frequency in large population cohorts (gnomAD); In silico analysis does not support a benign or deleterious effect of this variant on protein structure/function; Has not been previously published as pathogenic or benign to our knowledge; Reported using an alternate transcript of the gene

NM_001382422.1(EXOC3L2):c.1739T>A (p.Met580Lys)

Gene: EXOC3L2 (exocyst complex component 3 like 2; minus strand). Cytogenetic location: 19q13.32.
Variant type: single nucleotide variant.
Coding change: c.1739T>A on transcript NM_001382422.1 (MANE Select); coding-DNA position 1739, T replaced by A.
Protein change: p.Met580Lys; replaces methionine 580 with lysine.
Molecular consequence: missense variant.
Genome position (GRCh38, 1-based): chr19:45,218,300, A>T on the plus strand (T>A on the coding strand, the complement: EXOC3L2 is on the minus strand). VCF-style: chr19-45218300-A-T. GRCh37 (hg19) VCF-style: chr19-45721558-A-T.
Other names: NM_138568.3:c.560T>A; short protein forms M580K.
Identifiers: ClinVar variation 5008301 (VCV005008301.1).
Genomic context (GRCh38, chr19:45,218,300, plus strand): 5'-GCACCCAGCGTGCCCACGATGCCATCCAGGGCCTCCGGGCTGCTCAGCCACTTCCGGCGC[A>T]TCAGCTTGTTGAAGTGTGGCTGGCAGGGACAGAGTAGGGGGTCACGCTCTCCTCCCTCCC-3'
Protein context (NP_001369351.1, residues 570-590): QELQPHFNKL[Met580Lys]RRKWLSSPEA